The following is an entry in ClinVar:

ClinVar aggregate classification (germline): Uncertain significance. Review status: criteria provided, multiple submitters, no conflicts (2 of 4 stars). 2 submissions from 2 submitters: Uncertain significance (2). Last evaluated 2024-11-19.

Conditions:
Inborn genetic diseases. Identifiers: MedGen C0950123, MeSH D030342.
Curry-Hall syndrome (WAD). Also called: WEYERS ACRODENTAL DYSOSTOSIS. Identifiers: Orphanet 952, MedGen C0457013, MONDO:0008673, OMIM 193530.
Ellis-van Creveld syndrome (EVC). Also called: EVC-Related Ellis-van Creveld Syndrome; EVC2-Related Ellis-van Creveld Syndrome; MESOECTODERMAL DYSPLASIA; Chondroectodermal dysplasia. Identifiers: Orphanet 289, MedGen C0013903, MONDO:0009162, OMIM 225500.

Allele frequency attached by ClinVar (database versions not stated): ExAC 0.00001; gnomAD 0.00001; TOPMed 0.00003.
gnomAD v4.1: 22 of 1,613,954 alleles (0.0014%); highest among the groups gnomAD compares: Middle Eastern, 0.033%; no homozygotes.

Submissions (2):

Labcorp Genetics (formerly Invitae), Labcorp
Classification: Uncertain significance for Curry-Hall syndrome; Ellis-van Creveld syndrome. Last evaluated: 2024-11-19. Review status: criteria provided, single submitter. Criteria: Invitae Variant Classification Sherloc (09022015). Collection method: clinical testing. Allele origin: germline.
Comment: This sequence change replaces alanine, which is neutral and non-polar, with aspartic acid, which is acidic and polar, at codon 365 of the EVC protein (p.Ala365Asp). This variant is present in population databases (rs771462565, gnomAD 0.003%). This variant has not been reported in the literature in individuals affected with EVC-related conditions. ClinVar contains an entry for this variant (Variation ID: 3090801). Invitae Evidence Modeling of protein sequence and biophysical properties (such as structural, functional, and spatial information, amino acid conservation, physicochemical variation, residue mobility, and thermodynamic stability) has been performed for this missense variant. However, the output from this modeling did not meet the statistical confidence thresholds required to predict the impact of this variant on EVC protein function. In summary, the available evidence is currently insufficient to determine the role of this variant in disease. Therefore, it has been classified as a Variant of Uncertain Significance.

Ambry Genetics
Classification: Uncertain significance for Inborn genetic diseases. Last evaluated: 2024-02-26. Review status: criteria provided, single submitter. Criteria: Ambry Variant Classification Scheme 2023. Collection method: clinical testing. Allele origin: germline.

NM_153717.3(EVC):c.1094C>A (p.Ala365Asp)

Gene: EVC (EvC ciliary complex subunit 1; plus strand). Cytogenetic location: 4p16.2.
Variant type: single nucleotide variant.
Coding change: c.1094C>A on transcript NM_153717.3 (MANE Select); coding-DNA position 1094, C replaced by A.
Protein change: p.Ala365Asp; replaces alanine 365 with aspartic acid.
Molecular consequence: missense variant.
Genome position (GRCh38, 1-based): chr4:5,748,302, C>A. VCF-style: chr4-5748302-C-A. GRCh37 (hg19) VCF-style: chr4-5750029-C-A.
Other names: c.1094C>A, p.Ala365Asp (NM_001306090.2, NM_001306092.2); short protein forms A365D.
Identifiers: ClinVar variation 3090801 (VCV003090801.3), dbSNP rs771462565, ClinGen allele CA2835979.